The following is an entry in ClinVar:

ClinVar aggregate classification (germline): Uncertain significance (1 of 4 stars; one submission).

Conditions:
CEP290-related disorder. Also called: CEP290-related condition; CEP290-related disorders. Identifiers: MedGen CN239314.

gnomAD v4.1: 1 of 1,613,860 alleles (0.000062%); highest among the groups gnomAD compares: East Asian, 0.0022%; no homozygotes.

Submission:

PreventionGenetics, part of Exact Sciences
Classification: Uncertain significance for CEP290-related condition. Last evaluated: 2025-07-09. Review status: criteria provided, single submitter. Criteria: ACMG Guidelines, 2015. Collection method: clinical testing. Allele origin: germline.
Comment: The CEP290 c.3709C>A variant is predicted to result in the amino acid substitution p.Arg1237Ser. To our knowledge, this variant has not been reported in the literature or in a large population database (gnomAD), indicating this variant is rare. At this time, the clinical significance of this variant is uncertain due to the absence of conclusive functional and genetic evidence.

NM_025114.4(CEP290):c.3709C>A (p.Arg1237Ser)

Gene: CEP290 (centrosomal protein 290; minus strand). Cytogenetic location: 12q21.32.
Variant type: single nucleotide variant.
Coding change: c.3709C>A on transcript NM_025114.4 (MANE Select); coding-DNA position 3709, C replaced by A.
Protein change: p.Arg1237Ser; replaces arginine 1237 with serine.
Molecular consequence: missense variant.
Genome position (GRCh38, 1-based): chr12:88,089,352, G>T on the plus strand (C>A on the coding strand, the complement: CEP290 is on the minus strand). VCF-style: chr12-88089352-G-T. GRCh37 (hg19) VCF-style: chr12-88483129-G-T.
Other names: short protein forms R1237S.
Identifiers: ClinVar variation 4997436 (VCV004997436.1).